The following is an entry in ClinVar:

NM_002293.4(LAMC1):c.999G>A (p.Ala333=)

Gene: LAMC1 (laminin subunit gamma 1; plus strand). Cytogenetic location: 1q25.3.
Variant type: single nucleotide variant.
Coding change: c.999G>A on transcript NM_002293.4 (MANE Select); coding-DNA position 999, G replaced by A.
Protein change: p.Ala333=; no amino-acid change (alanine 333 retained).
Molecular consequence: synonymous variant.
Genome position (GRCh38, 1-based): chr1:183,110,632, G>A. VCF-style: chr1-183110632-G-A. GRCh37 (hg19) VCF-style: chr1-183079767-G-A.
Identifiers: ClinVar variation 1294845 (VCV001294845.5), dbSNP rs12086925, ClinGen allele CA1280974.

ClinVar aggregate classification (germline): Benign. Review status: criteria provided, multiple submitters, no conflicts (2 of 4 stars). 3 submissions from 3 submitters: Benign (2). 1 of the submissions does not count toward it. Last evaluated 2021-05-04.

Conditions:
LAMC1-related disorder. Also called: LAMC1-related condition.

Allele frequency attached by ClinVar (database versions not stated): gnomAD exomes 0.00297 and 0.00725; ExAC 0.00842; gnomAD 0.02556 and 0.02752; 1000 Genomes Project 0.02656; ESP Exome Variant Server 0.02660; 1000 Genomes Project 30x 0.02795; TOPMed 0.02875.
gnomAD v4.1: 8,431 of 1,613,816 alleles (0.52%); highest among the groups gnomAD compares: African/African-American, 8.6%; 291 homozygotes.

Submissions (3):

GeneDx
Classification: Benign. Last evaluated: 2021-05-04. Review status: criteria provided, single submitter. Criteria: GeneDx Variant Classification Process June 2021. Collection method: clinical testing. Allele origin: germline. Affected: yes.

Breakthrough Genomics
Classification: Benign. Review status: criteria provided, single submitter. Criteria: ACMG Guidelines, 2015. Collection method: not provided. Allele origin: germline. Inheritance: Unknown mechanism. Affected: yes.

PreventionGenetics, part of Exact Sciences
Classification: Benign for LAMC1-related condition. Last evaluated: 2019-09-06. Review status: no assertion criteria provided. Collection method: clinical testing. Allele origin: germline. Not counted in ClinVar's aggregate classification.
Comment: This variant is classified as benign based on ACMG/AMP sequence variant interpretation guidelines (Richards et al. 2015 PMID: 25741868, with internal and published modifications).